The following is an entry in ClinVar:

ClinVar aggregate classification (germline): Uncertain significance (1 of 4 stars; one submission).

Conditions:
Giant axonal neuropathy 1 (GAN1). Also called: GIANT AXONAL NEUROPATHY 1, AUTOSOMAL RECESSIVE; GAN-Related Neurodegeneration. Identifiers: Orphanet 643, MedGen C1850386, MONDO:0009749, OMIM 256850.

Allele frequency attached by ClinVar (database versions not stated): gnomAD exomes below 0.00001 and 0.00002; gnomAD 0.00001; TOPMed 0.00001; ExAC 0.00003.
gnomAD v4.1: 8 of 1,612,956 alleles (0.0005%); highest among the groups gnomAD compares: South Asian, 0.0033%; no homozygotes.

Submission:

Labcorp Genetics (formerly Invitae), Labcorp
Classification: Uncertain significance for Giant axonal neuropathy 1. Last evaluated: 2021-12-02. Review status: criteria provided, single submitter. Criteria: Invitae Variant Classification Sherloc (09022015). Collection method: clinical testing. Allele origin: germline.
Comment: This sequence change replaces arginine, which is basic and polar, with tryptophan, which is neutral and slightly polar, at codon 286 of the GAN protein (p.Arg286Trp). This variant is present in population databases (rs756000444, gnomAD 0.01%). This variant has not been reported in the literature in individuals affected with GAN-related conditions. ClinVar contains an entry for this variant (Variation ID: 1000875). Algorithms developed to predict the effect of missense changes on protein structure and function (SIFT, PolyPhen-2, Align-GVGD) all suggest that this variant is likely to be disruptive. In summary, the available evidence is currently insufficient to determine the role of this variant in disease. Therefore, it has been classified as a Variant of Uncertain Significance.

NM_022041.4(GAN):c.856C>T (p.Arg286Trp)

Gene: GAN (gigaxonin; plus strand). Cytogenetic location: 16q23.2.
Variant type: single nucleotide variant.
Coding change: c.856C>T on transcript NM_022041.4 (MANE Select); coding-DNA position 856, C replaced by T.
Protein change: p.Arg286Trp; replaces arginine 286 with tryptophan.
Molecular consequence: missense variant.
Genome position (GRCh38, 1-based): chr16:81,357,814, C>T. VCF-style: chr16-81357814-C-T. GRCh37 (hg19) VCF-style: chr16-81391419-C-T.
Other names: c.217C>T, p.Arg73Trp (NM_001377486.1); short protein forms R286W, R73W.
Identifiers: ClinVar variation 1000875 (VCV001000875.4), dbSNP rs756000444, ClinGen allele CA8191525.